The following is an entry in ClinVar:

NM_000030.3(AGXT):c.80G>A (p.Gly27Glu)

Gene: AGXT (alanine--glyoxylate aminotransferase; plus strand). Cytogenetic location: 2q37.3.
Variant type: single nucleotide variant.
Coding change: c.80G>A on transcript NM_000030.3 (MANE Select); coding-DNA position 80, G replaced by A.
Protein change: p.Gly27Glu; replaces glycine 27 with glutamic acid.
Molecular consequence: missense variant.
Genome position (GRCh38, 1-based): chr2:240,868,945, G>A. VCF-style: chr2-240868945-G-A. GRCh37 (hg19) VCF-style: chr2-241808362-G-A.
Other names: short protein forms G27E.
Identifiers: ClinVar variation 2681190 (VCV002681190.1), dbSNP rs765405040, ClinGen allele CA351313017.
Genomic context (GRCh38, chr2:240,868,945, plus strand): 5'-TGGTGACCCCCCCCAAGGCCCTGCTCAAGCCCCTCTCCATCCCCAACCAGCTCCTGCTGG[G>A]GCCTGGTCCTTCCAACCTGCCTCCTCGCATCATGGCAGCCGGGGGGCTGCAGATGATCGG-3'
Protein context (NP_000021.1, residues 17-37): PLSIPNQLLL[Gly27Glu]PGPSNLPPRI

ClinVar aggregate classification (germline): Uncertain significance (1 of 4 stars; one submission).

Conditions:
Primary hyperoxaluria, type I (HP1). Also called: OXALOSIS I; Primary hyperoxaluria type 1; GLYCOLIC ACIDURIA; HEPATIC AGT DEFICIENCY. Identifiers: Orphanet 416, Orphanet 93598, MedGen C0268164, MONDO:0009823, OMIM 259900. Disease mechanism: loss of function.

Submission:

Clinical Biochemistry Laboratory, Health Services Laboratory
Classification: Uncertain significance for Primary hyperoxaluria, type I. Last evaluated: 2023-10-27. Review status: criteria provided, single submitter. Criteria: ACMG Guidelines, 2015. Collection method: curation. Allele origin: germline. Affected: yes.
Comment: ACMG:PM2 PP1 PP3

Literature cited by the submitters: PubMed 35661454.